The following is an entry in ClinVar:

ClinVar aggregate classification (germline): Uncertain significance (1 of 4 stars; one submission).

gnomAD v4.1: 87 of 1,614,018 alleles (0.0054%); highest among the groups gnomAD compares: Non-Finnish European, 0.0069%; no homozygotes.

Submission:

Labcorp Genetics (formerly Invitae), Labcorp
Classification: Uncertain significance. Last evaluated: 2025-11-24. Review status: criteria provided, single submitter. Criteria: Invitae Variant Classification Sherloc (09022015). Collection method: clinical testing. Allele origin: germline.
Comment: This sequence change falls in intron 12 of the BRD4 gene. It does not directly change the encoded amino acid sequence of the BRD4 protein. It affects a nucleotide within the consensus splice site. This variant is present in population databases (rs200422540, gnomAD 0.01%). This variant has not been reported in the literature in individuals affected with BRD4-related conditions. ClinVar contains an entry for this variant (Variation ID: 2172178). Variants that disrupt the consensus splice site are a relatively common cause of aberrant splicing (PMID: 17576681, 9536098). Algorithms developed to predict the effect of sequence changes on RNA splicing suggest that this variant is not likely to affect RNA splicing. In summary, the available evidence is currently insufficient to determine the role of this variant in disease. Therefore, it has been classified as a Variant of Uncertain Significance.

Literature cited by the submitters: PubMed 17576681; PubMed 9536098.

NM_001379291.1(BRD4):c.2211+5A>G

Gene: BRD4 (bromodomain containing 4; minus strand). Cytogenetic location: 19p13.12.
Variant type: single nucleotide variant.
Coding change: c.2211+5A>G on transcript NM_001379291.1 (MANE Select); 5 bases into the intron after coding-DNA position 2211, A replaced by G.
Molecular consequence: intron variant.
Genome position (GRCh38, 1-based): chr19:15,244,705, T>C on the plus strand (A>G on the coding strand, the complement: BRD4 is on the minus strand). VCF-style: chr19-15244705-T-C. GRCh37 (hg19) VCF-style: chr19-15355516-T-C.
Other names: c.2211+5A>G (NM_058243.3).
Identifiers: ClinVar variation 2172178 (VCV002172178.4), dbSNP rs200422540, ClinGen allele CA9265045.